The following is an entry in ClinVar:

ClinVar aggregate classification (germline): Uncertain significance. Review status: criteria provided, multiple submitters, no conflicts (2 of 4 stars). 9 submissions from 9 submitters: Uncertain significance (7). 2 of the submissions do not count toward it. Last evaluated 2026-06-15.

Conditions:
Retinal dystrophy. Also called: Inherited retinal dystrophy. Identifiers: Orphanet 71862, MedGen C0854723, MeSH D058499, MONDO:0019118, HP:0000556.
Autosomal recessive retinitis pigmentosa. Identifiers: MedGen C0339526.
EYS-related disorder. Also called: EYS-related condition.
Retinitis pigmentosa 25 (RP25). Identifiers: Orphanet 791, MedGen C1864446, MONDO:0011272, OMIM 602772.

Allele frequency attached by ClinVar (database versions not stated): gnomAD 0.00005 and 0.00006; TOPMed 0.00009; gnomAD exomes 0.00011.
gnomAD v4.1: 77 of 1,527,592 alleles (0.005%); highest among the groups gnomAD compares: East Asian, 0.15%; no homozygotes.

Submissions (9):

PreventionGenetics, part of Exact Sciences
Classification: Uncertain significance for EYS-related condition. Last evaluated: 2026-06-15. Review status: criteria provided, single submitter. Criteria: ACMG Guidelines, 2015. Collection method: clinical testing. Allele origin: germline.
Comment: The EYS c.3454G>A variant is predicted to result in the amino acid substitution p.Gly1152Arg. This variant was reported, along with another potentially causative variant in the same gene, in an individual with retinitis pigmentosa (supplementary data, Xu et al. 2014. PubMed ID: 24938718). This variant was also reported in a large cohort of individuals with retinal disease (Iwanami et al. 2019. PubMed ID: 31814702). However, this variant is reported in 0.16% of alleles in individuals of East Asian descent in gnomAD, which may be too frequent to be a primary cause of disease. Although we suspect that this variant may be benign, at this time, the clinical significance of this variant is uncertain due to the absence of conclusive functional and genetic evidence.

Labcorp Genetics (formerly Invitae), Labcorp
Classification: Uncertain significance. Last evaluated: 2025-01-06. Review status: criteria provided, single submitter. Criteria: Invitae Variant Classification Sherloc (09022015). Collection method: clinical testing. Allele origin: germline.
Comment: This sequence change replaces glycine, which is neutral and non-polar, with arginine, which is basic and polar, at codon 1152 of the EYS protein (p.Gly1152Arg). This variant is present in population databases (rs371491059, gnomAD 0.2%). This missense change has been observed in individuals with autosomal recessive retinitis pigmentosa (PMID: 24938718). ClinVar contains an entry for this variant (Variation ID: 554359). Invitae Evidence Modeling of protein sequence and biophysical properties (such as structural, functional, and spatial information, amino acid conservation, physicochemical variation, residue mobility, and thermodynamic stability) has been performed for this missense variant. However, the output from this modeling did not meet the statistical confidence thresholds required to predict the impact of this variant on EYS protein function. In summary, the available evidence is currently insufficient to determine the role of this variant in disease. Therefore, it has been classified as a Variant of Uncertain Significance.

3billion
Classification: Uncertain significance for Retinitis pigmentosa 25. Last evaluated: 2024-11-25. Review status: criteria provided, single submitter. Criteria: ACMG Guidelines, 2015. Collection method: clinical testing. Allele origin: germline. Affected: yes.
Comment: The variant is observed at an extremely low frequency in the gnomAD v4.1.0 dataset (total allele frequency: 0.005%). Predicted Consequence/Location: Missense variant. The majority of the known disease-causing variants of this gene are variants expected to result in premature termination of the protein. In silico tool predictions suggest damaging effect of the variant on gene or gene product [REVEL: 0.79 (>=0.6, sensitivity 0.68 and specificity 0.92)]. The variant has been reported as of uncertain significance (ClinVar ID: VCV000554359; PMID: 24938718; 3billion dataset). Therefore, this variant is classified as VUS according to the recommendation of ACMG/AMP guideline.

Blueprint Genetics
Classification: Uncertain significance. Last evaluated: 2024-10-21. Review status: criteria provided, single submitter. Criteria: ACMG Guidelines, 2015. Collection method: clinical testing. Allele origin: germline.

Women's Health and Genetics/Laboratory Corporation of America, LabCorp
Classification: Uncertain significance. Last evaluated: 2024-10-14. Review status: criteria provided, single submitter. Criteria: LabCorp Variant Classification Summary - May 2015. Collection method: clinical testing. Allele origin: germline.
Comment: Variant summary: EYS c.3454G>A (p.Gly1152Arg) results in a non-conservative amino acid change located in the EGF-like domain of the encoded protein sequence. Four of five in-silico tools predict a damaging effect of the variant on protein function. The variant allele was found at a frequency of 0.00011 in 133052 control chromosomes. This frequency is not significantly higher than estimated for a pathogenic variant in EYS causing Retinitis Pigmentosa (0.00011 vs 0.0034), allowing no conclusion about variant significance. c.3454G>A has been reported in the literature in individuals affected with Retinitis Pigmentosa, without strong evidence for causality (Xu_2014, Katagiri_2014, Iwanami_2019). These report(s) do not provide unequivocal conclusions about association of the variant with Retinitis Pigmentosa. To our knowledge, no experimental evidence demonstrating an impact on protein function has been reported. The following publications have been ascertained in the context of this evaluation (PMID: 24938718, 25268133, 31814702, 36675693). ClinVar contains an entry for this variant (Variation ID: 554359). Based on the evidence outlined above, the variant was classified as uncertain significance.

Dept Of Ophthalmology, Nagoya University
Classification: Uncertain significance for Retinal dystrophy. Last evaluated: 2023-10-01. Review status: criteria provided, single submitter. Criteria: Submitter's publication. Collection method: research. Allele origin: germline. Affected: yes.

Fulgent Genetics
Classification: Uncertain significance for Retinitis pigmentosa 25. Last evaluated: 2022-04-20. Review status: criteria provided, single submitter. Criteria: ACMG Guidelines, 2015. Collection method: clinical testing. Allele origin: unknown.

Natera, Inc.
Classification: Uncertain significance for Autosomal recessive retinitis pigmentosa. Last evaluated: 2020-07-24. Review status: no assertion criteria provided. Collection method: clinical testing. Allele origin: germline. Not counted in ClinVar's aggregate classification.

Counsyl
Classification: Uncertain significance for Retinitis pigmentosa 25. Last evaluated: 2017-10-17. Review status: no assertion criteria provided. Collection method: clinical testing. Allele origin: unknown. Not counted in ClinVar's aggregate classification.

Literature cited by the submitters: PubMed 24938718 (cited by 3 submitters); PubMed 25268133 (cited by Women's Health and Genetics/Laboratory Corporation of America, LabCorp); PubMed 31814702 (cited by Women's Health and Genetics/Laboratory Corporation of America, LabCorp); PubMed 36675693 (cited by Women's Health and Genetics/Laboratory Corporation of America, LabCorp).

NM_001142800.2(EYS):c.3454G>A (p.Gly1152Arg)

Gene: EYS (EGF-like photoreceptor maintenance factor; minus strand). Cytogenetic location: 6q12.
Variant type: single nucleotide variant.
Coding change: c.3454G>A on transcript NM_001142800.2 (MANE Select); coding-DNA position 3454, G replaced by A.
Protein change: p.Gly1152Arg; replaces glycine 1152 with arginine.
Molecular consequence: missense variant.
Genome position (GRCh38, 1-based): chr6:64,626,235, C>T on the plus strand (G>A on the coding strand, the complement: EYS is on the minus strand). VCF-style: chr6-64626235-C-T. GRCh37 (hg19) VCF-style: chr6-65336128-C-T.
Other names: c.3454G>A, p.Gly1152Arg (NM_001292009.2); short protein forms G1152R.
Identifiers: ClinVar variation 554359 (VCV000554359.12), dbSNP rs371491059, ClinGen allele CA140345079.
Genomic context (GRCh38, chr6:64,626,235, plus strand): 5'-GTAGACATGGTGATGAAGAGCATTCATTTATATTAATTTCACAAAATTGACCAGAAAATC[C>T]AGGAAGACATCTAAGGAAAAAAAATGAAAACGATATTTGTATATATTATACACATGAGCA-3'
Protein context (NP_001136272.1, residues 1142-1162): GHTFDCRCLP[Gly1152Arg]FSGQFCEINI